The following is an entry in ClinVar:

ClinVar aggregate classification (germline): Uncertain significance (1 of 4 stars; one submission).

Submission:

CeGaT Center for Human Genetics Tuebingen
Classification: Uncertain significance. Last evaluated: 2023-03-01. Review status: criteria provided, single submitter. Criteria: CeGaT Center For Human Genetics Tuebingen Variant Classification Criteria Version 2. Collection method: clinical testing. Allele origin: germline. Affected: yes. Observed: 1 variant allele.
Comment: TGFBR2: PM2, PVS1:Moderate, BP5

NM_003242.6(TGFBR2):c.1653_1665del (p.Ser551fs)

Gene: TGFBR2 (transforming growth factor beta receptor 2; plus strand). Cytogenetic location: 3p24.1.
Variant type: Deletion.
Coding change: c.1653_1665del on transcript NM_003242.6 (MANE Select); coding-DNA positions 1653 to 1665, 13 bases deleted (CTGCTCGGAGGAG).
Protein change: p.Ser551fs; shifts the reading frame from serine 551.
Molecular consequence: frameshift variant.
Genome position (GRCh38, 1-based): chr3:30,691,548-30,691,560, CTGCTCGGAGGAG deleted; deleting any 13 consecutive bases within chr3:30,691,541-30,691,560 gives the same sequence; the c. name uses the placement nearest the transcript's 3' end. VCF-style (leftmost placement, unchanged base first): chr3-30691540-GGGAGGAGCTGCTC-G. GRCh37 (hg19) VCF-style: chr3-30733032-GGGAGGAGCTGCTC-G.
Other names: c.1728_1740del, p.Ser576fs (NM_001024847.3); c.1836_1848del, p.Ser612fs (NM_001407126.1); c.1761_1773del, p.Ser587fs (NM_001407127.1); c.1680_1692del, p.Ser560fs (NM_001407128.1); c.1656_1668del, p.Ser552fs (NM_001407129.1); c.1650_1662del, p.Ser550fs (NM_001407130.1); c.1548_1560del, p.Ser516fs (NM_001407132.1, NM_001407133.1, NM_001407134.1 and 2 more transcripts); c.1368_1380del, p.Ser456fs (NM_001407137.1); and 2 more; short protein forms S261fs, S431fs, S456fs, S516fs, S550fs, S551fs, S552fs, S560fs.
Identifiers: ClinVar variation 2653642 (VCV002653642.24), dbSNP rs767015322, ClinGen allele CA2695197771.